The following is an entry in ClinVar:

ClinVar aggregate classification (germline): Uncertain significance (1 of 4 stars; one submission).

Allele frequency attached by ClinVar (database versions not stated): gnomAD exomes below 0.00001; TOPMed below 0.00001.
gnomAD v4.1: 1 of 1,614,120 alleles (0.000062%); highest among the groups gnomAD compares: Admixed American, 0.0017%; no homozygotes.

Submission:

Labcorp Genetics (formerly Invitae), Labcorp
Classification: Uncertain significance. Last evaluated: 2022-08-06. Review status: criteria provided, single submitter. Criteria: Invitae Variant Classification Sherloc (09022015). Collection method: clinical testing. Allele origin: germline.
Comment: Algorithms developed to predict the effect of missense changes on protein structure and function are either unavailable or do not agree on the potential impact of this missense change (SIFT: "Deleterious"; PolyPhen-2: "Probably Damaging"; Align-GVGD: "Class C0"). In summary, the available evidence is currently insufficient to determine the role of this variant in disease. Therefore, it has been classified as a Variant of Uncertain Significance. This variant has not been reported in the literature in individuals affected with GNB3-related conditions. This sequence change replaces leucine, which is neutral and non-polar, with arginine, which is basic and polar, at codon 261 of the GNB3 protein (p.Leu261Arg). This variant is not present in population databases (gnomAD no frequency).

NM_002075.4(GNB3):c.782T>G (p.Leu261Arg)

Genes: CDCA3 (cell division cycle associated 3; minus strand), GNB3 (G protein subunit beta 3; plus strand). Cytogenetic location: 12p13.31.
Variant type: single nucleotide variant.
Coding change: c.782T>G on transcript NM_002075.4 (MANE Select); coding-DNA position 782, T replaced by G.
Protein change: p.Leu261Arg; replaces leucine 261 with arginine.
Molecular consequence: missense variant. On other transcripts: 3 prime UTR variant (1).
Genome position (GRCh38, 1-based): chr12:6,845,668, T>G. VCF-style: chr12-6845668-T-G. GRCh37 (hg19) VCF-style: chr12-6954832-T-G.
Other names: c.779T>G, p.Leu260Arg (NM_001297571.2); c.*1120A>C (NM_001297603.3); short protein forms L261R, L260R.
Identifiers: ClinVar variation 2011433 (VCV002011433.4), dbSNP rs1246191591, ClinGen allele CA383674870.